The following is an entry in ClinVar:

ClinVar aggregate classification (germline): Uncertain significance. Review status: criteria provided, multiple submitters, no conflicts (2 of 4 stars). 2 submissions from 2 submitters: Uncertain significance (2). Last evaluated 2026-03-09.

Conditions:
TRMU-related disorder. Also called: TRMU-related condition.

Submissions (2):

PreventionGenetics, part of Exact Sciences
Classification: Uncertain significance for TRMU-related condition. Last evaluated: 2026-03-09. Review status: criteria provided, single submitter. Criteria: ACMG Guidelines, 2015. Collection method: clinical testing. Allele origin: germline.
Comment: The TRMU c.37_48dup12 variant is predicted to result in an in-frame duplication (p.Gly13_Asp16dup). This variant was previously reported in individuals with suspected mitochondrial disorders (Murali et al. 2021. PubMed ID: 33485800; Martin-Saavedra et al. 2021. PubMed ID: 34052969). This variant is reported in 0.0072% of alleles in individuals of European (Non-Finnish) descent in gnomAD. At this time, the clinical significance of this variant is uncertain due to the absence of conclusive functional and genetic evidence.

Labcorp Genetics (formerly Invitae), Labcorp
Classification: Uncertain significance. Last evaluated: 2024-03-25. Review status: criteria provided, single submitter. Criteria: Invitae Variant Classification Sherloc (09022015). Collection method: clinical testing. Allele origin: germline.
Comment: This variant, c.37_48dup, results in the insertion of 4 amino acid(s) of the TRMU protein (p.Gly13_Asp16dup), but otherwise preserves the integrity of the reading frame. This variant is present in population databases (no rsID available, gnomAD 0.006%). This variant has been observed in individual(s) with clinical features of TRMU-related conditions (PMID: 33485800). ClinVar contains an entry for this variant (Variation ID: 215295). Experimental studies and prediction algorithms are not available or were not evaluated, and the functional significance of this variant is currently unknown. In summary, the available evidence is currently insufficient to determine the role of this variant in disease. Therefore, it has been classified as a Variant of Uncertain Significance.

Literature cited by the submitters: PubMed 33485800 (cited by Labcorp Genetics (formerly Invitae), Labcorp).

NM_018006.5(TRMU):c.37_48dup (p.Asp16_Ser17insGlyGlyValAsp)

Gene: TRMU (tRNA mitochondrial 2-thiouridylase; plus strand). Cytogenetic location: 22q13.31.
Variant type: Duplication.
Coding change: c.37_48dup on transcript NM_018006.5 (MANE Select); coding-DNA positions 37 to 48, 12 bases duplicated (GGCGGCGTGGAC).
Protein change: p.Asp16_Ser17insGlyGlyValAsp.
Molecular consequence: 5 prime UTR variant (on NM_001282782.2). On other transcripts: non-coding transcript variant (2).
Genome position (GRCh38, 1-based): chr22:46,335,801-46,335,812, GGCGGCGTGGAC duplicated; duplicating any 12 consecutive bases within chr22:46,335,800-46,335,812 gives the same sequence; the c. name uses the placement nearest the transcript's 3' end. VCF-style (leftmost placement, unchanged base first): chr22-46335799-C-CCGGCGGCGTGGA. GRCh37 (hg19) VCF-style: chr22-46731696-C-CCGGCGGCGTGGA.
Other names: c.-199_-188dup (NM_001282782.2); c.-218_-207dup (NM_001282783.2, NM_001282784.2); c.37_48dup, p.Asp16_Ser17insGlyGlyValAsp (NM_001282785.2); c.37_48dup12 (NM_018006.4).
Identifiers: ClinVar variation 3730154 (VCV003730154.2).